The following is an entry in ClinVar:

ClinVar aggregate classification (germline): Uncertain significance (1 of 4 stars; one submission).

Conditions:
Loeys-Dietz syndrome 2 (LDS2). Also called: Marfan Syndrome type 2; Marfan like connective tissue disorder; MFS 2; TGFBR2-Related Loeys-Dietz Syndrome; Marfan syndrome, type 2 (formerly); AORTIC ANEURYSM, FAMILIAL THORACIC 3. Identifiers: Orphanet 284973, Orphanet 558, MedGen C2674574, MONDO:0012427, OMIM 610168.

Allele frequency attached by ClinVar (database versions not stated): gnomAD exomes below 0.00001; ExAC 0.00001.
gnomAD v4.1: 2 of 1,614,110 alleles (0.00012%); highest among the groups gnomAD compares: East Asian, 0.0045%; no homozygotes.

Submission:

Labcorp Genetics (formerly Invitae), Labcorp
Classification: Uncertain significance for Loeys-Dietz syndrome 2. Last evaluated: 2022-01-01. Review status: criteria provided, single submitter. Criteria: Invitae Variant Classification Sherloc (09022015). Collection method: clinical testing. Allele origin: germline.
Comment: In summary, the available evidence is currently insufficient to determine the role of this variant in disease. Therefore, it has been classified as a Variant of Uncertain Significance. Algorithms developed to predict the effect of missense changes on protein structure and function output the following: SIFT: "Tolerated"; PolyPhen-2: "Benign"; Align-GVGD: "Class C0". The threonine amino acid residue is found in multiple mammalian species, which suggests that this missense change does not adversely affect protein function. This variant has not been reported in the literature in individuals affected with TMPO-related conditions. This variant is not present in population databases (gnomAD no frequency). This sequence change replaces alanine, which is neutral and non-polar, with threonine, which is neutral and polar, at codon 556 of the TMPO protein (p.Ala556Thr).

NM_001032283.3(TMPO):c.565+2085G>A

Gene: TMPO (thymopoietin; plus strand). Cytogenetic location: 12q23.1.
Variant type: single nucleotide variant.
Coding change: c.565+2085G>A on transcript NM_001032283.3 (MANE Select); 2085 bases into the intron after coding-DNA position 565, G replaced by A.
Molecular consequence: intron variant. On other transcripts: missense variant (1).
Genome position (GRCh38, 1-based): chr12:98,533,923, G>A. VCF-style: chr12-98533923-G-A. GRCh37 (hg19) VCF-style: chr12-98927701-G-A.
Other names: c.1666G>A, p.Ala556Thr (NM_003276.2); c.565+2085G>A (NM_001307975.2, NM_001032284.3); short protein forms A556T.
Identifiers: ClinVar variation 2068988 (VCV002068988.4), dbSNP rs769043908, ClinGen allele CA6732456.